The following is an entry in ClinVar:

ClinVar aggregate classification (germline): Uncertain significance (1 of 4 stars; one submission).

Submission:

Labcorp Genetics (formerly Invitae), Labcorp
Classification: Uncertain significance. Last evaluated: 2024-05-25. Review status: criteria provided, single submitter. Criteria: Invitae Variant Classification Sherloc (09022015). Collection method: clinical testing. Allele origin: germline.
Comment: This sequence change replaces methionine, which is neutral and non-polar, with threonine, which is neutral and polar, at codon 1253 of the COL4A1 protein (p.Met1253Thr). This variant is not present in population databases (gnomAD no frequency). This variant has not been reported in the literature in individuals affected with COL4A1-related conditions. An algorithm developed to predict the effect of missense changes on protein structure and function (PolyPhen-2) suggests that this variant is likely to be tolerated. In summary, the available evidence is currently insufficient to determine the role of this variant in disease. Therefore, it has been classified as a Variant of Uncertain Significance.

NM_001845.6(COL4A1):c.3758T>C (p.Met1253Thr)

Gene: COL4A1 (collagen type IV alpha 1 chain; minus strand). Cytogenetic location: 13q34.
Variant type: single nucleotide variant.
Coding change: c.3758T>C on transcript NM_001845.6 (MANE Select); coding-DNA position 3758, T replaced by C.
Protein change: p.Met1253Thr; replaces methionine 1253 with threonine.
Molecular consequence: missense variant.
Genome position (GRCh38, 1-based): chr13:110,169,747, A>G on the plus strand (T>C on the coding strand, the complement: COL4A1 is on the minus strand). VCF-style: chr13-110169747-A-G. GRCh37 (hg19) VCF-style: chr13-110822094-A-G.
Other names: short protein forms M1253T.
Identifiers: ClinVar variation 3705633 (VCV003705633.2).